The following is an entry in ClinVar:

ClinVar aggregate classification (germline): Uncertain significance (1 of 4 stars; one submission).

Submission:

GeneDx
Classification: Uncertain significance. Last evaluated: 2025-02-18. Review status: criteria provided, single submitter. Criteria: GeneDx Variant Classification Process June 2021. Collection method: clinical testing. Allele origin: germline. Affected: yes.
Comment: Has not been previously published as pathogenic or benign to our knowledge; Not observed at significant frequency in large population cohorts (gnomAD); In silico analysis indicates that this missense variant does not alter protein structure/function

NM_005120.3(MED12):c.6118G>A (p.Ala2040Thr)

Gene: MED12 (mediator complex subunit 12; plus strand). Cytogenetic location: Xq13.1.
Variant type: single nucleotide variant.
Coding change: c.6118G>A on transcript NM_005120.3 (MANE Select); coding-DNA position 6118, G replaced by A.
Protein change: p.Ala2040Thr; replaces alanine 2040 with threonine.
Molecular consequence: missense variant.
Genome position (GRCh38, 1-based): chrX:71,140,708, G>A. VCF-style: chrX-71140708-G-A. GRCh37 (hg19) VCF-style: chrX-70360558-G-A.
Other names: short protein forms A2040T.
Identifiers: ClinVar variation 4075516 (VCV004075516.1).